The following is an entry in ClinVar:

ClinVar aggregate classification (germline): Uncertain significance (1 of 4 stars; one submission).

Conditions:
Infantile GM1 gangliosidosis. Also called: Gangliosidosis, Generalized GM1, Type 1; GM1-gangliosidosis, type I; Gangliosidosis, generalized GM1, infantile form; GLB1 deficiency; GM1 gangliosidosis type 1. Identifiers: Orphanet 354, Orphanet 79255, MedGen C0268271, MONDO:0009260, OMIM 230500.

Submission:

Foundation for Research in Genetics and Endocrinology, FRIGE's Institute of Human Genetics
Classification: Uncertain significance for Infantile GM1 gangliosidosis. Last evaluated: 2022-12-24. Review status: criteria provided, single submitter. Criteria: ACMG Guidelines, 2015. Collection method: clinical testing. Allele origin: germline. Inheritance: Autosomal recessive inheritance. Affected: yes. Observed: 1 heterozygote.
Comment: A Heterozygous variation in Intron 1 of the GLB1 gene that results in the amino acid deletion was detected. The observed variant c.75+3_75+4 del has not been reported in the 1000 genomes and ExAC databases. The in silico prediction of the variant are possibly damaging by PolyPhen-2 (HumDiv) and damaging by LRT and MutationTaster2. The reference codon is conserved across species. In summary, the variant meets our criteria to be classified as a variant of uncertain significance.

NM_000404.4(GLB1):c.75+3_75+4del

Genes: GLB1 (galactosidase beta 1; minus strand), TMPPE (transmembrane protein with metallophosphoesterase domain; minus strand), LOC129936434 (ATAC-STARR-seq lymphoblastoid silent region 14182; plus strand). Cytogenetic location: 3p22.3.
Variant type: Deletion.
Coding change: c.75+3_75+4del on transcript NM_000404.4 (MANE Select); bases 3 to 4 of the intron after coding-DNA position 75, 2 bases deleted (AA; older notation c.75+3_75+4delAA).
Molecular consequence: intron variant. On other transcripts: 5 prime UTR variant (2).
Genome position (GRCh38, 1-based): chr3:33,097,007-33,097,008, TT deleted on the plus strand (AA on the coding strand, the reverse complement: GLB1 is on the minus strand). VCF-style (leftmost placement, unchanged base first): chr3-33097006-CTT-C. GRCh37 (hg19) VCF-style: chr3-33138498-CTT-C.
Other names: c.-398_-397del (NM_001039770.3); c.-294_-293del (NM_001136238.2); c.75+3_75+4del (NM_001393580.1, NM_001135602.3, NM_001317040.2).
Identifiers: ClinVar variation 1878428 (VCV001878428.3), dbSNP rs2471539298, ClinGen allele CA2580069246.
Genomic context (GRCh38, chr3:33,097,006, plus strand): 5'-AGCCCGGTTCCCCGCCAGCCTGTCCCCTAGCAATGCCTCCCCGTACCCGGGTCCCGCAGA[CTT>C]ACGCGCAAGCCGCGCGTAGGGCCCAGAAGCAGCAGAACCAGCAACAGAGGGAGGATGCGA-3'